The following is an entry in ClinVar:

ClinVar aggregate classification (germline): Uncertain significance (1 of 4 stars; one submission).

Allele frequency attached by ClinVar (database versions not stated): gnomAD 0.00002; gnomAD exomes 0.00002; TOPMed 0.00002.

Submission:

Labcorp Genetics (formerly Invitae), Labcorp
Classification: Uncertain significance. Last evaluated: 2025-05-11. Review status: criteria provided, single submitter. Criteria: Invitae Variant Classification Sherloc (09022015). Collection method: clinical testing. Allele origin: germline.
Comment: This sequence change replaces asparagine, which is neutral and polar, with lysine, which is basic and polar, at codon 1272 of the FLNB protein (p.Asn1272Lys). This variant is present in population databases (no rsID available, gnomAD 0.003%). This variant has not been reported in the literature in individuals affected with FLNB-related conditions. ClinVar contains an entry for this variant (Variation ID: 1987713). Invitae Evidence Modeling of protein sequence and biophysical properties (such as structural, functional, and spatial information, amino acid conservation, physicochemical variation, residue mobility, and thermodynamic stability) indicates that this missense variant is not expected to disrupt FLNB protein function with a negative predictive value of 95%. In summary, the available evidence is currently insufficient to determine the role of this variant in disease. Therefore, it has been classified as a Variant of Uncertain Significance.

NM_001457.4(FLNB):c.3816C>G (p.Asn1272Lys)

Gene: FLNB (filamin B; plus strand). Cytogenetic location: 3p14.3.
Variant type: single nucleotide variant.
Coding change: c.3816C>G on transcript NM_001457.4 (MANE Select); coding-DNA position 3816, C replaced by G.
Protein change: p.Asn1272Lys; replaces asparagine 1272 with lysine.
Molecular consequence: missense variant.
Genome position (GRCh38, 1-based): chr3:58,124,423, C>G. VCF-style: chr3-58124423-C-G. GRCh37 (hg19) VCF-style: chr3-58110150-C-G.
Other names: c.3816C>G, p.Asn1272Lys (NM_001164317.2, NM_001164318.2, NM_001164319.2); short protein forms N1272K.
Identifiers: ClinVar variation 1987713 (VCV001987713.4), dbSNP rs1030463034, ClinGen allele CA75448511.
Genomic context (GRCh38, chr3:58,124,423, plus strand): 5'-AGTTGACTCTCGGCCGCTGACCCAGGTTGGGGGTGACCACATCAAGGCCCACATTGCCAA[C>G]CCCTCAGGGGCCTCCACCGAGTGCTTTGTCACAGACAATGCGGATGGGACCTACCAGGTG-3'
Protein context (NP_001448.2, residues 1262-1282): GGDHIKAHIA[Asn1272Lys]PSGASTECFV